The following is an entry in ClinVar:

ClinVar aggregate classification (germline): Uncertain significance. Review status: criteria provided, multiple submitters, no conflicts (2 of 4 stars). 2 submissions from 2 submitters: Uncertain significance (2). Last evaluated 2024-03-17.

Conditions:
Spermatogenic failure 46. Identifiers: MedGen C5436799, MONDO:0033673, OMIM 619095.
Primary ciliary dyskinesia. Also called: Ciliary dyskinesia. Identifiers: Orphanet 244, MedGen C0008780, MONDO:0016575, HP:0012265.

Allele frequency attached by ClinVar (database versions not stated): gnomAD 0.00003; TOPMed 0.00003.

Submissions (2):

Genomic Medicine Center of Excellence, King Faisal Specialist Hospital and Research Centre
Classification: Uncertain significance for Spermatogenic failure 46. Last evaluated: 2024-03-17. Review status: criteria provided, single submitter. Criteria: ACMG Guidelines, 2015. Collection method: research. Allele origin: germline.

Labcorp Genetics (formerly Invitae), Labcorp
Classification: Uncertain significance for Primary ciliary dyskinesia. Last evaluated: 2017-11-09. Review status: criteria provided, single submitter. Criteria: Invitae Variant Classification Sherloc (09022015). Collection method: clinical testing. Allele origin: germline.
Comment: This sequence change replaces proline with serine at codon 36 of the DNAH8 protein (p.Pro36Ser). The proline residue is moderately conserved and there is a moderate physicochemical difference between proline and serine. This variant is not present in population databases (ExAC no frequency). This variant has not been reported in the literature in individuals with DNAH8-related disease. Algorithms developed to predict the effect of missense changes on protein structure and function output the following: SIFT: "Deleterious"; Align-GVGD: "Class C0". The serine amino acid residue is found in multiple mammalian species, suggesting that this missense change does not adversely affect protein function. These predictions have not been confirmed by published functional studies and their clinical significance is uncertain. In summary, the available evidence is currently insufficient to determine the role of this variant in disease. Therefore, it has been classified as a Variant of Uncertain Significance.

NM_001206927.2(DNAH8):c.106C>T (p.Pro36Ser)

Genes: DNAH8 (dynein axonemal heavy chain 8; plus strand), LOC126859667 (BRD4-independent group 4 enhancer GRCh37_chr6:38690326-38691525; plus strand). Cytogenetic location: 6p21.2.
Variant type: single nucleotide variant.
Coding change: c.106C>T on transcript NM_001206927.2 (MANE Select); coding-DNA position 106, C replaced by T.
Protein change: p.Pro36Ser; replaces proline 36 with serine.
Molecular consequence: missense variant. On other transcripts: 5 prime UTR variant (1).
Genome position (GRCh38, 1-based): chr6:38,722,915, C>T. VCF-style: chr6-38722915-C-T. GRCh37 (hg19) VCF-style: chr6-38690691-C-T.
Other names: c.-461C>T (NM_001371.4); short protein forms P36S.
Identifiers: ClinVar variation 525233 (VCV000525233.3), dbSNP rs1178576726, ClinGen allele CA363984444.
Genomic context (GRCh38, chr6:38,722,915, plus strand): 5'-GCTCCTCCCTCTACGGAAGAGGCTGCCCCTCCCCGTTCAGAAGAGGAAGAGGCCCCGCGC[C>T]CTCCGACAGTGGAGGCCCCGGCAGAAGATGGTTTCTCTCCTTCCGCAGAAGATGCTGTTT-3'
Protein context (NP_001193856.1, residues 26-46): PRSEEEEAPR[Pro36Ser]PTVEAPAEDG